The following is an entry in ClinVar:

NM_004961.4(GABRE):c.1172G>A (p.Arg391His)

Gene: GABRE (gamma-aminobutyric acid type A receptor subunit epsilon; minus strand). Cytogenetic location: Xq28.
Variant type: single nucleotide variant.
Coding change: c.1172G>A on transcript NM_004961.4 (MANE Select); coding-DNA position 1172, G replaced by A.
Protein change: p.Arg391His; replaces arginine 391 with histidine.
Molecular consequence: missense variant.
Genome position (GRCh38, 1-based): chrX:151,955,050, C>T on the plus strand (G>A on the coding strand, the complement: GABRE is on the minus strand). VCF-style: chrX-151955050-C-T. GRCh37 (hg19) VCF-style: chrX-151123522-C-T.
Other names: short protein forms R391H.
Identifiers: ClinVar variation 3097838 (VCV003097838.2), dbSNP rs756791363, ClinGen allele CA10542376.
Genomic context (GRCh38, chrX:151,955,050, plus strand): 5'-GTGACAATCTGGCACACAAAAGCTTCCTGATGTTGGCGGGCACAGGCTCGGGAACGTGCA[C>T]GGGTACGGGCATGGGCACGGCTATTGATACGAGGCTAAAATGGACAAGGAAAGAAGTGGG-3'
Protein context (NP_004952.2, residues 381-401): RINSRAHART[Arg391His]ARSRACARQH

ClinVar aggregate classification (germline): Uncertain significance (1 of 4 stars; one submission).

Allele frequency attached by ClinVar (database versions not stated): ExAC 0.00002; gnomAD exomes 0.00002; TOPMed 0.00001.
gnomAD v4.1: 25 of 1,201,485 alleles (0.0021%); highest among the groups gnomAD compares: Non-Finnish European, 0.0024%; no homozygotes.

Submission:

Ambry Genetics
Classification: Uncertain significance. Last evaluated: 2026-09-02. Review status: criteria provided, single submitter. Criteria: Ambry Variant Classification Scheme 2023. Collection method: clinical testing. Allele origin: germline.
Comment: The c.1172G>A (p.R391H) alteration is located in exon 9 (coding exon 9) of the GABRE gene. This alteration results from a G to A substitution at nucleotide position 1172, causing the arginine (R) at amino acid position 391 to be replaced by a histidine (H). Based on data from gnomAD, the A allele has an overall frequency of 0.001% (1/162536) total alleles studied. The highest observed frequency was 0.004% (1/25833) of Latino alleles. Based on insufficient or conflicting evidence, the clinical significance of this alteration remains unclear.